The following is an entry in ClinVar:

ClinVar aggregate classification (germline): Likely benign. Review status: criteria provided, multiple submitters, no conflicts (2 of 4 stars). 3 submissions from 3 submitters: Likely benign (3). Last evaluated 2026-01-01.

Allele frequency attached by ClinVar (database versions not stated): 1000 Genomes Project 30x 0.00016; 1000 Genomes Project 0.00020; ExAC 0.00049; TOPMed 0.00049; gnomAD 0.00053 and 0.00055; gnomAD exomes 0.00053 and 0.00067; ESP Exome Variant Server 0.00056.
gnomAD v4.1: 1,079 of 1,613,970 alleles (0.067%); highest among the groups gnomAD compares: Middle Eastern, 0.25%; no homozygotes.

Submissions (3):

CeGaT Center for Human Genetics Tuebingen
Classification: Likely benign. Last evaluated: 2026-01-01. Review status: criteria provided, single submitter. Criteria: CeGaT Center For Human Genetics Tuebingen Variant Classification Criteria Version 2. Collection method: clinical testing. Allele origin: germline. Affected: yes. Observed: 11 variant alleles.
Comment: GABRA5: BP4, BP7

Blueprint Genetics
Classification: Likely benign. Last evaluated: 2024-10-08. Review status: criteria provided, single submitter. Criteria: ACMG Guidelines, 2015. Collection method: clinical testing. Allele origin: germline.

Labcorp Genetics (formerly Invitae), Labcorp
Classification: Likely benign. Last evaluated: 2018-12-06. Review status: criteria provided, single submitter. Criteria: Invitae Variant Classification Sherloc (09022015). Collection method: clinical testing. Allele origin: germline.

NM_000810.4(GABRA5):c.291C>T (p.Asp97=)

Gene: GABRA5 (gamma-aminobutyric acid type A receptor subunit alpha5; plus strand). Cytogenetic location: 15q12.
Variant type: single nucleotide variant.
Coding change: c.291C>T on transcript NM_000810.4 (MANE Select); coding-DNA position 291, C replaced by T.
Protein change: p.Asp97=; no amino-acid change (aspartic acid 97 retained).
Molecular consequence: synonymous variant.
Genome position (GRCh38, 1-based): chr15:26,883,351, C>T. VCF-style: chr15-26883351-C-T. GRCh37 (hg19) VCF-style: chr15-27128498-C-T.
Other names: c.291C>T, p.Asp97= (NM_001165037.2).
Identifiers: ClinVar variation 713019 (VCV000713019.34), dbSNP rs79274924, ClinGen allele CA7437782.
Genomic context (GRCh38, chr15:26,883,351, plus strand): 5'-CCAGGCCCCGTGCCCTCTGACTGCCTCGTGCCTTCCTTTCCACTAGGAGTACACCATAGA[C>T]GTGTTTTTCCGACAAAGCTGGAAAGATGAAAGGCTTCGGTTTAAGGGGCCCATGCAGCGC-3'
Protein context (NP_000801.1, residues 87-107): VSDTEMEYTI[Asp97=]VFFRQSWKDE